The following is an entry in ClinVar:

NM_005902.4(SMAD3):c.900_902dup (p.Gly301_Glu302insGly)

Gene: SMAD3 (SMAD family member 3; plus strand). Cytogenetic location: 15q22.33.
Variant type: Duplication.
Coding change: c.900_902dup on transcript NM_005902.4 (MANE Select); coding-DNA positions 900 to 902, 3 bases duplicated (AGG; older notation c.900_902dupAGG).
Protein change: p.Gly301_Glu302insGly.
Molecular consequence: inframe insertion. On other transcripts: intron variant (1).
Genome position (GRCh38, 1-based): chr15:67,184,755-67,184,757, AGG duplicated; duplicating any 3 consecutive bases within chr15:67,184,753-67,184,757 gives the same sequence; the c. name uses the placement nearest the transcript's 3' end. VCF-style (leftmost placement, unchanged base first): chr15-67184752-C-CGGA. GRCh37 (hg19) VCF-style: chr15-67477090-C-CGGA.
Other names: c.585_587dup, p.Gly196_Glu197insGly (NM_001145102.2, NM_001407016.1); c.768_770dup, p.Gly257_Glu258insGly (NM_001145103.2, NM_001407012.1); c.315_317dup, p.Gly106_Glu107insGly (NM_001145104.2, NM_001407017.1); c.900_902dup, p.Gly301_Glu302insGly (NM_001407011.1); c.753_755dup, p.Gly252_Glu253insGly (NM_001407014.1); c.453_455dup, p.Gly152_Glu153insGly (NM_001407015.1); c.872-2610_872-2608dup (NM_001407013.1).
Identifiers: ClinVar variation 3075165 (VCV003075165.1), dbSNP rs2505300017, ClinGen allele CA2825002298.
Genomic context (GRCh38, chr15:67,184,752, plus strand): 5'-AGGCACCCTGTCCAGTCTAACCTGAATCTCTGTAGGAAGAGGCGTGCGGCTCTACTACAT[C>CGGA]GGAGGGGAGGTCTTCGCAGAGTGCCTCAGTGACAGCGCTATTTTTGTCCAGTCTCCCAAC-3'

ClinVar aggregate classification (germline): Uncertain significance (1 of 4 stars; one submission).

Conditions:
Aneurysm-osteoarthritis syndrome. Also called: ANEURYSMS-OSTEOARTHRITIS SYNDROME; SMAD3-Related Loeys-Dietz Syndrome; LOEYS-DIETZ SYNDROME WITH OSTEOARTHRITIS; Loeys-Dietz syndrome, type 1C. Identifiers: Orphanet 284984, MedGen C3151087, MONDO:0013426, OMIM 613795.

Submission:

All of Us Research Program, National Institutes of Health
Classification: Uncertain significance for Aneurysm-osteoarthritis syndrome. Last evaluated: 2023-12-18. Review status: criteria provided, single submitter. Criteria: ACMG Guidelines, 2015. Collection method: clinical testing. Allele origin: germline. Inheritance: Autosomal dominant inheritance. Observed: 1 variant allele, 1 heterozygote.
Comment: This variant causes an in-frame duplication of one amino acid of the SMAD3 protein. To our knowledge, functional studies have not been reported for this variant. This variant has not been reported in individuals affected with SMAD3-related disorders in the literature. This variant has not been identified in the general population by the Genome Aggregation Database (gnomAD). Loss of SMAD3 function is a known mechanism of disease. The available evidence is insufficient to determine the role of this variant in disease conclusively. Therefore, this variant is classified as a Variant of Uncertain Significance.

This study involves interpretation of variants in research participants for the purpose of population health screening. Participant phenotype was not available at the time of variant classification. Additional details can be found in publication PMID: 35346344, PMCID: PMC8962531